The following is an entry in ClinVar:

ClinVar aggregate classification (germline): Uncertain significance (1 of 4 stars; one submission).

Conditions:
Birt-Hogg-Dube syndrome. Also called: Birt Hogg Dubé syndrome. Identifiers: Orphanet 122, MedGen C0346010, MONDO:0800444.

Submission:

Labcorp Genetics (formerly Invitae), Labcorp
Classification: Uncertain significance for Birt-Hogg-Dube syndrome. Last evaluated: 2021-03-26. Review status: criteria provided, single submitter. Criteria: Invitae Variant Classification Sherloc (09022015). Collection method: clinical testing. Allele origin: germline.
Comment: This sequence change replaces threonine with serine at codon 224 of the FLCN protein (p.Thr224Ser). The threonine residue is moderately conserved and there is a small physicochemical difference between threonine and serine. This variant is not present in population databases (ExAC no frequency). This variant has not been reported in the literature in individuals with FLCN-related conditions. In summary, the available evidence is currently insufficient to determine the role of this variant in disease. Therefore, it has been classified as a Variant of Uncertain Significance. Algorithms developed to predict the effect of missense changes on protein structure and function (SIFT, PolyPhen-2, Align-GVGD) all suggest that this variant is likely to be tolerated, but these predictions have not been confirmed by published functional studies and their clinical significance is uncertain.

NM_144997.7(FLCN):c.670A>T (p.Thr224Ser)

Gene: FLCN (folliculin; minus strand). Cytogenetic location: 17p11.2.
Variant type: single nucleotide variant.
Coding change: c.670A>T on transcript NM_144997.7 (MANE Select); coding-DNA position 670, A replaced by T.
Protein change: p.Thr224Ser; replaces threonine 224 with serine.
Molecular consequence: missense variant.
Genome position (GRCh38, 1-based): chr17:17,222,610, T>A on the plus strand (A>T on the coding strand, the complement: FLCN is on the minus strand). VCF-style: chr17-17222610-T-A. GRCh37 (hg19) VCF-style: chr17-17125924-T-A.
Other names: c.724A>T, p.Thr242Ser (NM_001353229.2); c.670A>T, p.Thr224Ser (NM_001353230.2, NM_001353231.2, NM_144606.7); short protein forms T224S, T242S.
Identifiers: ClinVar variation 1464577 (VCV001464577.8), dbSNP rs2144951064, ClinGen allele CA398534038.